The following is an entry in ClinVar:

NM_001330311.2(DVL1):c.1777C>T (p.Arg593Trp)

Gene: DVL1 (dishevelled segment polarity protein 1; minus strand). Cytogenetic location: 1p36.33.
Variant type: single nucleotide variant.
Coding change: c.1777C>T on transcript NM_001330311.2 (MANE Select); coding-DNA position 1777, C replaced by T.
Protein change: p.Arg593Trp; replaces arginine 593 with tryptophan.
Molecular consequence: missense variant.
Genome position (GRCh38, 1-based): chr1:1,336,453, G>A on the plus strand (C>T on the coding strand, the complement: DVL1 is on the minus strand). VCF-style: chr1-1336453-G-A. GRCh37 (hg19) VCF-style: chr1-1271833-G-A.
Other names: c.1702C>T (NM_004421.2); c.1702C>T, p.Arg568Trp (NM_004421.3); short protein forms R568W, R593W.
Identifiers: ClinVar variation 445443 (VCV000445443.10), dbSNP rs372681220, ClinGen allele CA519835.
Genomic context (GRCh38, chr1:1,336,453, plus strand): 5'-CCACCCCACTCGGTGCCGTGTGATCCGATTCACTGCCACTGCCCCCAGCTCCCGCCGCCC[G>A]ACGCTCCTTCTCACGGCCCGGGGCCCGGCGGCTGCTCCGGGTGGACCCACTGCTTTTGCT-3'
Protein context (NP_001317240.1, residues 583-603): RRAPGREKER[Arg593Trp]AAGAGGSGSE

ClinVar aggregate classification (germline): Conflicting classifications of pathogenicity. Review status: criteria provided, conflicting classifications (1 of 4 stars). 3 submissions from 3 submitters: Uncertain significance (1); Benign (1); Likely benign (1). Last evaluated 2025-08-17.

Conditions:
Autosomal dominant Robinow syndrome 2. Identifiers: Orphanet 3107, Orphanet 97360, MedGen C4225363, MONDO:0014591, OMIM 616331.

Allele frequency attached by ClinVar (database versions not stated): ESP Exome Variant Server 0.00008; ExAC 0.00009; TOPMed 0.00011; gnomAD exomes 0.00012; gnomAD 0.00014.
gnomAD v4.1: 411 of 1,571,592 alleles (0.026%); highest among the groups gnomAD compares: Non-Finnish European, 0.032%; no homozygotes.

Submissions (3):

Labcorp Genetics (formerly Invitae), Labcorp
Classification: Benign. Last evaluated: 2025-08-17. Review status: criteria provided, single submitter. Criteria: Invitae Variant Classification Sherloc (09022015). Collection method: clinical testing. Allele origin: germline.

Blueprint Genetics
Classification: Likely benign. Last evaluated: 2024-09-23. Review status: criteria provided, single submitter. Criteria: ACMG Guidelines, 2015. Collection method: clinical testing. Allele origin: germline.

Center for Pediatric Genomic Medicine, Children's Mercy Hospital and Clinics
Classification: Uncertain significance. Last evaluated: 2017-08-28. Review status: criteria provided, single submitter. Criteria: ACMG Guidelines, 2015. Collection method: clinical testing. Allele origin: germline.